The following is an entry in ClinVar:

ClinVar aggregate classification (germline): Uncertain significance (1 of 4 stars; one submission).

Conditions:
Spastic paraplegia. Identifiers: MedGen C0037772, HP:0001258.

Submission:

Labcorp Genetics (formerly Invitae), Labcorp
Classification: Uncertain significance for Spastic paraplegia. Last evaluated: 2022-02-11. Review status: criteria provided, single submitter. Criteria: Invitae Variant Classification Sherloc (09022015). Collection method: clinical testing. Allele origin: germline.
Comment: This variant has not been reported in the literature in individuals affected with SACS-related conditions. Advanced modeling of protein sequence and biophysical properties (such as structural, functional, and spatial information, amino acid conservation, physicochemical variation, residue mobility, and thermodynamic stability) performed at Invitae indicates that this missense variant is not expected to disrupt SACS protein function. In summary, the available evidence is currently insufficient to determine the role of this variant in disease. Therefore, it has been classified as a Variant of Uncertain Significance. This sequence change replaces glycine, which is neutral and non-polar, with glutamic acid, which is acidic and polar, at codon 1214 of the SACS protein (p.Gly1214Glu). This variant is not present in population databases (gnomAD no frequency).

NM_014363.6(SACS):c.3641G>A (p.Gly1214Glu)

Gene: SACS (sacsin molecular chaperone; minus strand). Cytogenetic location: 13q12.12.
Variant type: single nucleotide variant.
Coding change: c.3641G>A on transcript NM_014363.6 (MANE Select); coding-DNA position 3641, G replaced by A.
Protein change: p.Gly1214Glu; replaces glycine 1214 with glutamic acid.
Molecular consequence: missense variant.
Genome position (GRCh38, 1-based): chr13:23,340,235, C>T on the plus strand (G>A on the coding strand, the complement: SACS is on the minus strand). VCF-style: chr13-23340235-C-T. GRCh37 (hg19) VCF-style: chr13-23914374-C-T.
Other names: c.3200G>A, p.Gly1067Glu (NM_001278055.2); short protein forms G1067E, G1214E.
Identifiers: ClinVar variation 1977717 (VCV001977717.5), dbSNP rs1679643171, ClinGen allele CA387534203.
Genomic context (GRCh38, chr13:23,340,235, plus strand): 5'-CAATCAACAACAATTTTAAAGTGTTTTAAGACAGCACTAAGGCTAGGTTTTGTGAAGATC[C>T]CTAATGCTTTTTCCAGGTTTACATGGATACTTTCAACAAGAGGAAGTGAGGAGCCAATGA-3'
Protein context (NP_055178.3, residues 1204-1224): SIHVNLEKAL[Gly1214Glu]IFTKPSLSAV